The following is an entry in ClinVar:

ClinVar aggregate classification (germline): Uncertain significance (1 of 4 stars; one submission).

Conditions:
Inborn genetic diseases. Identifiers: MedGen C0950123, MeSH D030342.

gnomAD v4.1: 1 of 1,614,230 alleles (0.000062%); highest among the groups gnomAD compares: Non-Finnish European, 0.000085%; no homozygotes.

Submission:

Ambry Genetics
Classification: Uncertain significance for Inborn genetic diseases. Last evaluated: 2024-06-21. Review status: criteria provided, single submitter. Criteria: Ambry Variant Classification Scheme 2023. Collection method: clinical testing. Allele origin: germline.
Comment: The p.S46T variant (also known as c.137G>C), located in coding exon 2 of the EPAS1 gene, results from a G to C substitution at nucleotide position 137. The serine at codon 46 is replaced by threonine, an amino acid with similar properties. This amino acid position is conserved. In addition, this alteration is predicted to be tolerated by in silico analysis. Since supporting evidence is limited at this time, the clinical significance of this alteration remains unclear.

NM_001430.5(EPAS1):c.137G>C (p.Ser46Thr)

Gene: EPAS1 (endothelial PAS domain protein 1; plus strand). Cytogenetic location: 2p21.
Variant type: single nucleotide variant.
Coding change: c.137G>C on transcript NM_001430.5 (MANE Select); coding-DNA position 137, G replaced by C.
Protein change: p.Ser46Thr; replaces serine 46 with threonine.
Molecular consequence: missense variant.
Genome position (GRCh38, 1-based): chr2:46,346,983, G>C. VCF-style: chr2-46346983-G-C. GRCh37 (hg19) VCF-style: chr2-46574122-G-C.
Other names: short protein forms S46T.
Identifiers: ClinVar variation 1771258 (VCV001771258.3), dbSNP rs1376666026, ClinGen allele CA346697106.